The following is an entry in ClinVar:

NM_001298.3(CNGA3):c.1861G>A (p.Ala621Thr)

Gene: CNGA3 (cyclic nucleotide gated channel subunit alpha 3; plus strand). Cytogenetic location: 2q11.2.
Variant type: single nucleotide variant.
Coding change: c.1861G>A on transcript NM_001298.3 (MANE Select); coding-DNA position 1861, G replaced by A.
Protein change: p.Ala621Thr; replaces alanine 621 with threonine.
Molecular consequence: missense variant.
Genome position (GRCh38, 1-based): chr2:98,397,031, G>A. VCF-style: chr2-98397031-G-A. GRCh37 (hg19) VCF-style: chr2-99013494-G-A.
Other names: c.1807G>A, p.Ala603Thr (NM_001079878.2); short protein forms A603T, A621T.
Identifiers: ClinVar variation 957937 (VCV000957937.13), dbSNP rs546831778, ClinGen allele CA1794106.
Genomic context (GRCh38, chr2:98,397,031, plus strand): 5'-AAAGGACGGCAGATCCTGATGAAAGACAACCTGATCGATGAGGAGCTGGCCAGGGCGGGC[G>A]CGGACCCCAAGGACCTTGAGGAGAAAGTGGAGCAGCTGGGGTCCTCCCTGGACACCCTGC-3'
Protein context (NP_001289.1, residues 611-631): LIDEELARAG[Ala621Thr]DPKDLEEKVE

ClinVar aggregate classification (germline): Conflicting classifications of pathogenicity. Review status: criteria provided, conflicting classifications (1 of 4 stars). 3 submissions from 3 submitters: Uncertain significance (2); Likely benign (1). Last evaluated 2026-06-24.

Conditions:
Inborn genetic diseases. Identifiers: MedGen C0950123, MeSH D030342.
CNGA3-related disorder. Also called: CNGA3-related condition.

Allele frequency attached by ClinVar (database versions not stated): TOPMed 0.00007; ExAC 0.00008; gnomAD exomes 0.00010; 1000 Genomes Project 30x 0.00016; 1000 Genomes Project 0.00020; gnomAD 0.00007.
gnomAD v4.1: 67 of 1,614,004 alleles (0.0042%); highest among the groups gnomAD compares: Middle Eastern, 0.066%; no homozygotes.

Submissions (3):

PreventionGenetics, part of Exact Sciences
Classification: Uncertain significance for CNGA3-related condition. Last evaluated: 2026-06-24. Review status: criteria provided, single submitter. Criteria: ACMG Guidelines, 2015. Collection method: clinical testing. Allele origin: germline.
Comment: The CNGA3 c.1861G>A variant is predicted to result in the amino acid substitution p.Ala621Thr. To our knowledge, this variant has not been reported in the literature. This variant is reported in 0.080% of alleles in individuals of East Asian descent in gnomAD, which may be too frequent to be a primary cause of disease. Although we suspect that this variant may be benign, at this time, the clinical significance of this variant is uncertain due to the absence of conclusive functional and genetic evidence.

Labcorp Genetics (formerly Invitae), Labcorp
Classification: Likely benign. Last evaluated: 2025-11-12. Review status: criteria provided, single submitter. Criteria: Invitae Variant Classification Sherloc (09022015). Collection method: clinical testing. Allele origin: germline.

Ambry Genetics
Classification: Uncertain significance for Inborn genetic diseases. Last evaluated: 2024-10-29. Review status: criteria provided, single submitter. Criteria: Ambry Variant Classification Scheme 2023. Collection method: clinical testing. Allele origin: germline.